The following is an entry in ClinVar:

NM_000834.5(GRIN2B):c.2021C>T (p.Pro674Leu)

Gene: GRIN2B (glutamate ionotropic receptor NMDA type subunit 2B; minus strand). Cytogenetic location: 12p13.1.
Variant type: single nucleotide variant.
Coding change: c.2021C>T on transcript NM_000834.5 (MANE Select); coding-DNA position 2021, C replaced by T.
Protein change: p.Pro674Leu; replaces proline 674 with leucine.
Molecular consequence: missense variant.
Genome position (GRCh38, 1-based): chr12:13,571,954, G>A on the plus strand (C>T on the coding strand, the complement: GRIN2B is on the minus strand). VCF-style: chr12-13571954-G-A. GRCh37 (hg19) VCF-style: chr12-13724888-G-A.
Other names: c.2021C>T, p.Pro674Leu (NM_001413992.1); short protein forms P674L.
Identifiers: ClinVar variation 3755103 (VCV003755103.2).

ClinVar aggregate classification (germline): Uncertain significance (1 of 4 stars; one submission).

Conditions:
Developmental and epileptic encephalopathy, 27 (DEE27). Also called: Epileptic encephalopathy, early infantile, 27; GRIN2B-Related Neurodevelopmental Disorder. Identifiers: Orphanet 3451, MedGen C4015316, MONDO:0014505, OMIM 616139.
Intellectual developmental disorder, autosomal dominant 6, with or without seizures. Also called: Intellectual disability, autosomal dominant 6; GRIN2B-related developmental delay, intellectual disability and autism spectrum disorder. Identifiers: Orphanet 589547, MedGen C3151411, MONDO:0013509, OMIM 613970.

Submission:

Labcorp Genetics (formerly Invitae), Labcorp
Classification: Uncertain significance for Developmental and epileptic encephalopathy, 27; Intellectual developmental disorder, autosomal dominant 6, with or without seizures. Last evaluated: 2024-03-15. Review status: criteria provided, single submitter. Criteria: Invitae Variant Classification Sherloc (09022015). Collection method: clinical testing. Allele origin: germline.
Comment: This sequence change replaces proline, which is neutral and non-polar, with leucine, which is neutral and non-polar, at codon 674 of the GRIN2B protein (p.Pro674Leu). This variant is not present in population databases (gnomAD no frequency). This variant has not been reported in the literature in individuals affected with GRIN2B-related conditions. Advanced modeling of protein sequence and biophysical properties (such as structural, functional, and spatial information, amino acid conservation, physicochemical variation, residue mobility, and thermodynamic stability) performed at Invitae indicates that this missense variant is expected to disrupt GRIN2B protein function with a positive predictive value of 95%. In summary, the available evidence is currently insufficient to determine the role of this variant in disease. Therefore, it has been classified as a Variant of Uncertain Significance.